The following is an entry in ClinVar:

ClinVar aggregate classification (germline): Uncertain significance. Review status: criteria provided, multiple submitters, no conflicts (2 of 4 stars). 2 submissions from 2 submitters: Uncertain significance (2). Last evaluated 2025-06-18.

Conditions:
Neuroblastoma, susceptibility to, 3. Also called: ALK-Related Neuroblastic Tumor Susceptibility. Identifiers: Orphanet 635, MedGen C2751681, MONDO:0013083, OMIM 613014.
Hereditary cancer-predisposing syndrome. Also called: Hereditary Cancer Syndrome; Hereditary neoplastic syndrome; Neoplastic Syndromes, Hereditary; Tumor predisposition. Identifiers: Orphanet 140162, MedGen C0027672, MeSH D009386, MONDO:0015356.

Submissions (2):

Labcorp Genetics (formerly Invitae), Labcorp
Classification: Uncertain significance for Neuroblastoma, susceptibility to, 3. Last evaluated: 2025-06-18. Review status: criteria provided, single submitter. Criteria: Invitae Variant Classification Sherloc (09022015). Collection method: clinical testing. Allele origin: germline.
Comment: This sequence change replaces cysteine, which is neutral and slightly polar, with tyrosine, which is neutral and polar, at codon 95 of the ALK protein (p.Cys95Tyr). This variant is not present in population databases (gnomAD no frequency). This variant has not been reported in the literature in individuals affected with ALK-related conditions. ClinVar contains an entry for this variant (Variation ID: 3523506). An algorithm developed to predict the effect of missense changes on protein structure and function (PolyPhen-2) suggests that this variant is likely to be disruptive. In summary, the available evidence is currently insufficient to determine the role of this variant in disease. Therefore, it has been classified as a Variant of Uncertain Significance.

Ambry Genetics
Classification: Uncertain significance for Hereditary cancer-predisposing syndrome. Last evaluated: 2024-12-02. Review status: criteria provided, single submitter. Criteria: Ambry Variant Classification Scheme 2023. Collection method: clinical testing. Allele origin: germline.
Comment: The p.C95Y variant (also known as c.284G>A), located in coding exon 1 of the ALK gene, results from a G to A substitution at nucleotide position 284. The cysteine at codon 95 is replaced by tyrosine, an amino acid with highly dissimilar properties. This amino acid position is conserved. In addition, the in silico prediction for this alteration is inconclusive. Based on the available evidence, the clinical significance of this variant remains unclear.

NM_004304.5(ALK):c.284G>A (p.Cys95Tyr)

Gene: ALK (ALK receptor tyrosine kinase; minus strand). Cytogenetic location: 2p23.1.
Variant type: single nucleotide variant.
Coding change: c.284G>A on transcript NM_004304.5 (MANE Select); coding-DNA position 284, G replaced by A.
Protein change: p.Cys95Tyr; replaces cysteine 95 with tyrosine.
Molecular consequence: missense variant.
Genome position (GRCh38, 1-based): chr2:29,920,376, C>T on the plus strand (G>A on the coding strand, the complement: ALK is on the minus strand). VCF-style: chr2-29920376-C-T. GRCh37 (hg19) VCF-style: chr2-30143242-C-T.
Other names: short protein forms C95Y.
Identifiers: ClinVar variation 3523506 (VCV003523506.2).